The following is an entry in ClinVar:

NM_000053.4(ATP7B):c.2322T>C (p.Ile774=)

Gene: ATP7B (ATPase copper transporting beta; minus strand). Cytogenetic location: 13q14.3.
Variant type: single nucleotide variant.
Coding change: c.2322T>C on transcript NM_000053.4 (MANE Select); coding-DNA position 2322, T replaced by C.
Protein change: p.Ile774=; no amino-acid change (isoleucine 774 retained).
Molecular consequence: synonymous variant. On other transcripts: intron variant (2).
Genome position (GRCh38, 1-based): chr13:51,958,344, A>G on the plus strand (T>C on the coding strand, the complement: ATP7B is on the minus strand). VCF-style: chr13-51958344-A-G. GRCh37 (hg19) VCF-style: chr13-52532480-A-G.
Other names: c.1989T>C, p.Ile663= (NM_001243182.2); c.2070T>C, p.Ile690= (NM_001330579.2); c.1870-737T>C (NM_001005918.3); c.2122-737T>C (NM_001330578.2).
Identifiers: ClinVar variation 1099102 (VCV001099102.11), dbSNP rs755299474, ClinGen allele CA6989062.
Genomic context (GRCh38, chr13:51,958,344, plus strand): 5'-CTTTTCTGAACCTGAAGCTGCTGTTACCTTTGCCAAGTGTTCCAGCCACCGGCCCAGGGC[A>G]ATGAACACAAAGAGCATGGGGGGCGTGTCGAAGAATGTCACAGGGCTCCTCTCCGCCTTC-3'
Protein context (NP_000044.2, residues 764-784): FDTPPMLFVF[Ile774=]ALGRWLEHLA

ClinVar aggregate classification (germline): Likely benign. Review status: criteria provided, multiple submitters, no conflicts (2 of 4 stars). 4 submissions from 4 submitters: Likely benign (4). Last evaluated 2023-12-13.

Conditions:
Wilson disease (WND). Also called: Wilson's disease. Identifiers: Orphanet 905, MedGen C0019202, MONDO:0010200, OMIM 277900. Disease mechanism: loss of function.

Allele frequency attached by ClinVar (database versions not stated): gnomAD exomes below 0.00001; ExAC 0.00001; gnomAD 0.00001.
gnomAD v4.1: 5 of 1,614,106 alleles (0.00031%); highest among the groups gnomAD compares: South Asian, 0.0022%; no homozygotes.

Submissions (4):

All of Us Research Program, National Institutes of Health
Classification: Likely benign for Wilson disease. Last evaluated: 2023-12-13. Review status: criteria provided, single submitter. Criteria: ACMG Guidelines, 2015. Collection method: clinical testing. Allele origin: germline. Inheritance: Autosomal recessive inheritance. Observed: 1 variant allele, 1 heterozygote.
Comment: This study involves interpretation of variants in research participants for the purpose of population health screening. Participant phenotype was not available at the time of variant classification. Additional details can be found in publication PMID: 35346344, PMCID: PMC8962531

Blueprint Genetics
Classification: Likely benign. Last evaluated: 2023-06-27. Review status: criteria provided, single submitter. Criteria: ACMG Guidelines, 2015. Collection method: clinical testing. Allele origin: germline.

Labcorp Genetics (formerly Invitae), Labcorp
Classification: Likely benign for Wilson disease. Last evaluated: 2023-06-06. Review status: criteria provided, single submitter. Criteria: Invitae Variant Classification Sherloc (09022015). Collection method: clinical testing. Allele origin: germline.

Color Diagnostics, LLC DBA Color Health
Classification: Likely benign for Wilson disease. Last evaluated: 2022-04-22. Review status: criteria provided, single submitter. Criteria: ACMG Guidelines, 2015. Collection method: clinical testing. Allele origin: germline.